The following is an entry in ClinVar:

ClinVar aggregate classification (germline): Uncertain significance. Review status: criteria provided, multiple submitters, no conflicts (2 of 4 stars). 4 submissions from 4 submitters: Uncertain significance (4). Last evaluated 2026-01-11.

Conditions:
Inborn genetic diseases. Identifiers: MedGen C0950123, MeSH D030342.
Imerslund-Grasbeck syndrome type 2. Also called: Megaloblastic anemia 1, Norwegian type; MEGALOBLASTIC ANEMIA, NORWEGIAN TYPE; Imerslund-Gräsbeck syndrome 2. Identifiers: MedGen C4016948, MONDO:0100157, OMIM 618882.
Imerslund-Grasbeck syndrome. Also called: PERNICIOUS ANEMIA, JUVENILE, DUE TO SELECTIVE INTESTINAL MALABSORPTION OF VITAMIN B12, WITH PROTEINURIA; Megaloblastic anemia due to inborn errors of metabolism; ENTEROCYTE COBALAMIN MALABSORPTION; ENTEROCYTE INTRINSIC FACTOR RECEPTOR, DEFECT OF; Imerslund-Gräsbeck syndrome. Identifiers: Orphanet 35858, MedGen C4551825, MONDO:0009853.

Allele frequency attached by ClinVar (database versions not stated): ExAC 0.00013; ESP Exome Variant Server 0.00031; gnomAD 0.00062; 1000 Genomes Project 30x 0.00078; 1000 Genomes Project 0.00080.

Submissions (4):

Labcorp Genetics (formerly Invitae), Labcorp
Classification: Uncertain significance for Imerslund-Grasbeck syndrome. Last evaluated: 2026-01-11. Review status: criteria provided, single submitter. Criteria: Invitae Variant Classification Sherloc (09022015). Collection method: clinical testing. Allele origin: germline.
Comment: This sequence change replaces alanine, which is neutral and non-polar, with threonine, which is neutral and polar, at codon 44 of the AMN protein (p.Ala44Thr). This variant is present in population databases (rs138106067, gnomAD 0.1%). This variant has not been reported in the literature in individuals affected with AMN-related conditions. ClinVar contains an entry for this variant (Variation ID: 1950934). Invitae Evidence Modeling of protein sequence and biophysical properties (such as structural, functional, and spatial information, amino acid conservation, physicochemical variation, residue mobility, and thermodynamic stability) indicates that this missense variant is not expected to disrupt AMN protein function with a negative predictive value of 80%. In summary, the available evidence is currently insufficient to determine the role of this variant in disease. Therefore, it has been classified as a Variant of Uncertain Significance.

Fulgent Genetics
Classification: Uncertain significance for Imerslund-Grasbeck syndrome type 2. Last evaluated: 2024-06-21. Review status: criteria provided, single submitter. Criteria: ACMG Guidelines, 2015. Collection method: clinical testing. Allele origin: germline.

GeneDx
Classification: Uncertain significance. Last evaluated: 2024-03-19. Review status: criteria provided, single submitter. Criteria: GeneDx Variant Classification Process June 2021. Collection method: clinical testing. Allele origin: germline. Affected: yes.
Comment: In silico analysis supports that this missense variant does not alter protein structure/function; Has not been previously published as pathogenic or benign to our knowledge

Ambry Genetics
Classification: Uncertain significance for Inborn genetic diseases. Last evaluated: 2021-08-18. Review status: criteria provided, single submitter. Criteria: Ambry Variant Classification Scheme 2023. Collection method: clinical testing. Allele origin: germline.

NM_030943.4(AMN):c.130G>A (p.Ala44Thr)

Gene: AMN (amnion associated transmembrane protein; plus strand). Cytogenetic location: 14q32.32.
Variant type: single nucleotide variant.
Coding change: c.130G>A on transcript NM_030943.4 (MANE Select); coding-DNA position 130, G replaced by A.
Protein change: p.Ala44Thr; replaces alanine 44 with threonine.
Molecular consequence: missense variant.
Genome position (GRCh38, 1-based): chr14:102,923,797, G>A. VCF-style: chr14-102923797-G-A. GRCh37 (hg19) VCF-style: chr14-103390134-G-A.
Other names: short protein forms A44T.
Identifiers: ClinVar variation 1950934 (VCV001950934.6), dbSNP rs138106067, ClinGen allele CA7359739.